The following is an entry in ClinVar:

ClinVar aggregate classification (germline): Uncertain significance (1 of 4 stars; one submission).

Submission:

Labcorp Genetics (formerly Invitae), Labcorp
Classification: Uncertain significance. Last evaluated: 2021-02-18. Review status: criteria provided, single submitter. Criteria: Invitae Variant Classification Sherloc (09022015). Collection method: clinical testing. Allele origin: germline.
Comment: In summary, the available evidence is currently insufficient to determine the role of this variant in disease. Therefore, it has been classified as a Variant of Uncertain Significance. This variant has not been reported in the literature in individuals with FSCN2-related conditions. This variant is not present in population databases (ExAC no frequency). This sequence change creates a premature translational stop signal (p.Asn349Hisfs*125) in the FSCN2 gene. While this is not anticipated to result in nonsense mediated decay, it is expected to disrupt the last 168 amino acid(s) of the FSCN2 protein.

NM_012418.4(FSCN2):c.1045_1061del (p.Asn349fs)

Gene: FSCN2 (fascin actin-bundling protein 2, retinal; plus strand). Cytogenetic location: 17q25.3.
Variant type: Deletion.
Coding change: c.1045_1061del on transcript NM_012418.4 (MANE Select); coding-DNA positions 1045 to 1061, 17 bases deleted (AACGGGCGCTACGTGTG).
Protein change: p.Asn349fs; shifts the reading frame from asparagine 349.
Molecular consequence: frameshift variant.
Genome position (GRCh38, 1-based): chr17:81,536,207-81,536,223, AACGGGCGCTACGTGTG deleted. VCF-style (leftmost placement, unchanged base first): chr17-81536206-CAACGGGCGCTACGTGTG-C. GRCh37 (hg19) VCF-style: chr17-79503232-CAACGGGCGCTACGTGTG-C.
Other names: c.1045_1061del, p.Asn349fs (NM_001077182.3); short protein forms N349fs.
Identifiers: ClinVar variation 1511679 (VCV001511679.6), dbSNP rs2143903539, ClinGen allele CA2573154989.